The following is an entry in ClinVar:

NM_000018.4(ACADVL):c.692CTG[1] (p.Ala232del)

Gene: ACADVL (acyl-CoA dehydrogenase very long chain; plus strand). Cytogenetic location: 17p13.1.
Variant type: Microsatellite.
Coding change: c.692CTG[1] on transcript NM_000018.4 (MANE Select); one copy of the 3-base unit CTG starting at c.692; the reference has two copies in a row; one copy, 3 bases deleted.
Protein change: p.Ala232del; deletes alanine 232.
Molecular consequence: inframe deletion.
Genome position (GRCh38, 1-based): chr17:7,222,024-7,222,026, CTG deleted; deleting any 3 consecutive bases within chr17:7,222,021-7,222,026 gives the same sequence; the position shown is the placement nearest the transcript's 3' end. VCF-style (leftmost placement, unchanged base first): chr17-7222020-TCTG-T. GRCh37 (hg19) VCF-style: chr17-7125339-TCTG-T.
Other names: c.626CTG[1], p.Ala210del (NM_001033859.3); c.761CTG[1], p.Ala255del (NM_001270447.2); c.464CTG[1], p.Ala156del (NM_001270448.2); short protein forms A156del, A255del, A210del, A232del.
Identifiers: ClinVar variation 4733994 (VCV004733994.1).

ClinVar aggregate classification (germline): Pathogenic (1 of 4 stars; one submission).

Conditions:
Very long chain acyl-CoA dehydrogenase deficiency (ACADVLD). Also called: Very Long-Chain Acyl-Coenzyme A Dehydrogenase Deficiency; VLCAD Deficiency. Identifiers: Orphanet 26793, MedGen C3887523, MONDO:0008723, OMIM 201475.

Submission:

Labcorp Genetics (formerly Invitae), Labcorp
Classification: Pathogenic for Very long chain acyl-CoA dehydrogenase deficiency. Last evaluated: 2025-12-23. Review status: criteria provided, single submitter. Criteria: Invitae Variant Classification Sherloc (09022015). Collection method: clinical testing. Allele origin: germline.
Comment: This variant, c.695_697del, results in the deletion of 1 amino acid(s) of the ACADVL protein (p.Ala232del), but otherwise preserves the integrity of the reading frame. This variant is not present in population databases (gnomAD no frequency). This variant has not been reported in the literature in individuals affected with ACADVL-related conditions. This variant disrupts a region of the ACADVL protein in which other variant(s) (p.Ala232Thr) have been determined to be pathogenic (PMID: 16895136; internal data). This suggests that this is a clinically significant region of the protein, and that variants that disrupt it are likely to be disease-causing. For these reasons, this variant has been classified as Pathogenic.

Literature cited by the submitters: PubMed 16895136.